The following is an entry in ClinVar:

ClinVar aggregate classification (germline): Uncertain significance (1 of 4 stars; one submission).

Conditions:
Encephalopathy, acute, infection-induced, susceptibility to, 9. Identifiers: MedGen C5193089, MONDO:0032742, OMIM 618426.

gnomAD v4.1: 705 of 1,612,962 alleles (0.044%); highest among the groups gnomAD compares: Non-Finnish European, 0.057%; no homozygotes.

Submission:

Clinical Genomic Analysis (GENYSIS) Core, University of North Carolina at Chapel Hill
Classification: Uncertain significance for Encephalopathy, acute, infection-induced, susceptibility to, 9. Last evaluated: 2025-06-17. Review status: criteria provided, single submitter. Criteria: ACMG Guidelines, 2015. Collection method: research. Allele origin: paternal. Observed: 1 compound heterozygote. Study: UNC Genetic Determinants of Neurological and Developmental Disorders (GDNDD) Study.
Comment: NUP214 c.1291C>T, p.(Pro431Ser), is a missense variant that changes a single amino acid from a proline to a serine. This variant is present at a maximum population allele frequency of 0.06% (669/1179570 alleles, no homozygotes) in gnomADv4.1 and has not previously been reported in the literature or in the ClinVar database. Multiple in silico models predict that the c.1291C>T variant has no impact on the gene or protein product. Given the available evidence, this variant is classified as a variant of uncertain significance.

NM_005085.4(NUP214):c.1291C>T (p.Pro431Ser)

Gene: NUP214 (nucleoporin 214; plus strand). Cytogenetic location: 9q34.13.
Variant type: single nucleotide variant.
Coding change: c.1291C>T on transcript NM_005085.4 (MANE Select); coding-DNA position 1291, C replaced by T.
Protein change: p.Pro431Ser; replaces proline 431 with serine.
Molecular consequence: missense variant.
Genome position (GRCh38, 1-based): chr9:131,140,707, C>T. VCF-style: chr9-131140707-C-T. GRCh37 (hg19) VCF-style: chr9-134016094-C-T.
Other names: c.1291C>T, p.Pro431Ser (NM_001318324.2); short protein forms P431S.
Identifiers: ClinVar variation 4294314 (VCV004294314.1).